The following is an entry in ClinVar:

ClinVar aggregate classification (germline): Uncertain significance (1 of 4 stars; one submission).

Submission:

Ambry Genetics
Classification: Uncertain significance. Last evaluated: 2026-05-23. Review status: criteria provided, single submitter. Criteria: Ambry Variant Classification Scheme 2023. Collection method: clinical testing. Allele origin: germline.
Comment: The p.K510E variant (also known as c.1528A>G), located in coding exon 11 of the RINT1 gene, results from an A to G substitution at nucleotide position 1528. The lysine at codon 510 is replaced by glutamic acid, an amino acid with similar properties. This amino acid position is conserved. In addition, the in silico prediction for this alteration is inconclusive. Based on the available evidence, the clinical significance of this variant remains unclear.

NM_021930.6(RINT1):c.1528A>G (p.Lys510Glu)

Gene: RINT1 (RAD50 interactor 1; plus strand). Cytogenetic location: 7q22.3.
Variant type: single nucleotide variant.
Coding change: c.1528A>G on transcript NM_021930.6 (MANE Select); coding-DNA position 1528, A replaced by G.
Protein change: p.Lys510Glu; replaces lysine 510 with glutamic acid.
Molecular consequence: missense variant.
Genome position (GRCh38, 1-based): chr7:105,555,084, A>G. VCF-style: chr7-105555084-A-G. GRCh37 (hg19) VCF-style: chr7-105195531-A-G.
Other names: c.604A>G, p.Lys202Glu (NM_001346601.2); c.505A>G, p.Lys169Glu (NM_001346603.2, NM_001346600.2); c.1294A>G, p.Lys432Glu (NM_001346599.2); short protein forms K169E, K202E, K432E, K510E.
Identifiers: ClinVar variation 4863340 (VCV004863340.1).